The following is an entry in ClinVar:

NM_015047.3(EMC1):c.2909T>C (p.Phe970Ser)

Genes: EMC1 (ER membrane protein complex subunit 1; minus strand), EMC1-AS1 (EMC1 antisense RNA 1; plus strand). Cytogenetic location: 1p36.13.
Variant type: single nucleotide variant.
Coding change: c.2909T>C on transcript NM_015047.3 (MANE Select); coding-DNA position 2909, T replaced by C.
Protein change: p.Phe970Ser; replaces phenylalanine 970 with serine.
Molecular consequence: missense variant.
Genome position (GRCh38, 1-based): chr1:19,219,376, A>G on the plus strand (T>C on the coding strand, the complement: EMC1 is on the minus strand). VCF-style: chr1-19219376-A-G. GRCh37 (hg19) VCF-style: chr1-19545870-A-G.
Other names: c.2906T>C, p.Phe969Ser (NM_001271427.2, NM_001271428.2); c.2843T>C, p.Phe948Ser (NM_001271429.2); c.2918T>C, p.Phe973Ser (NM_001375820.1); c.2915T>C, p.Phe972Ser (NM_001375821.1); short protein forms F948S, F972S, F973S, F969S, F970S.
Identifiers: ClinVar variation 1035673 (VCV001035673.10), dbSNP rs2093413759, ClinGen allele CA338748829.
Genomic context (GRCh38, chr1:19,219,376, plus strand): 5'-CGATTCAGGAGCTTCACCTGTGCCAGTCTCTTAGTGATCATGGTGGCAAAAACCAGGCCA[A>G]AGAGGACGCTGCTGATTAACACGTAGTCATAGTCATCCTTCAGAACGTCAAACTGCTTGG-3'
Protein context (NP_055862.1, residues 960-980): YDYVLISSVL[Phe970Ser]GLVFATMITK

ClinVar aggregate classification (germline): Uncertain significance (1 of 4 stars; one submission).

Submission:

Labcorp Genetics (formerly Invitae), Labcorp
Classification: Uncertain significance. Last evaluated: 2025-03-31. Review status: criteria provided, single submitter. Criteria: Invitae Variant Classification Sherloc (09022015). Collection method: clinical testing. Allele origin: germline.
Comment: This sequence change replaces phenylalanine, which is neutral and non-polar, with serine, which is neutral and polar, at codon 970 of the EMC1 protein (p.Phe970Ser). This variant is not present in population databases (gnomAD no frequency). This variant has not been reported in the literature in individuals affected with EMC1-related conditions. ClinVar contains an entry for this variant (Variation ID: 1035673). Invitae Evidence Modeling of protein sequence and biophysical properties (such as structural, functional, and spatial information, amino acid conservation, physicochemical variation, residue mobility, and thermodynamic stability) indicates that this missense variant is not expected to disrupt EMC1 protein function with a negative predictive value of 80%. In summary, the available evidence is currently insufficient to determine the role of this variant in disease. Therefore, it has been classified as a Variant of Uncertain Significance.